The following is an entry in ClinVar:

NM_024675.4(PALB2):c.532del (p.Glu178fs)

Gene: PALB2 (partner and localizer of BRCA2; minus strand). Cytogenetic location: 16p12.2.
Variant type: Deletion.
Coding change: c.532del on transcript NM_024675.4 (MANE Select); coding-DNA position 532, one base deleted (G; older notation c.532delG).
Protein change: p.Glu178fs; shifts the reading frame from glutamic acid 178.
Molecular consequence: frameshift variant.
Genome position (GRCh38, 1-based): chr16:23,636,014, C deleted on the plus strand (G on the coding strand, the reverse complement: PALB2 is on the minus strand); the first of 2 consecutive C bases (chr16:23,636,014-23,636,015); deleting either gives the same sequence. VCF-style (leftmost placement, unchanged base first): chr16-23636013-TC-T. GRCh37 (hg19) VCF-style: chr16-23647334-TC-T.
Other names: NM_024675.3(PALB2):c.532del; p.Glu178fs; c.532delG (NM_024675.3); short protein forms E178fs.
Identifiers: ClinVar variation 580962 (VCV000580962.22), dbSNP rs1567222725, ClinGen allele CA891843628.
Genomic context (GRCh38, chr16:23,636,013, plus strand): 5'-TGAGTTCTTATTTCAGTTACTGGTGATCTAGCAGGATTTTTGCTACTGATTTCTTCCTGT[TC>T]CTTTAGTCTTTTCCCAGACAATCTGAGTGAATCAGTGCCAAAGACACAGTCTCTCTCCTG-3'

ClinVar aggregate classification (germline): Pathogenic. Review status: reviewed by expert panel (3 of 4 stars). 6 submissions from 6 submitters: Pathogenic (1). 5 of the submissions do not count toward it. Last evaluated 2023-04-05.

Conditions:
PALB2-related cancer predisposition. Identifiers: MedGen CN377761, MONDO:0700272.
Hereditary cancer-predisposing syndrome. Also called: Neoplastic Syndromes, Hereditary; Tumor predisposition; Hereditary neoplastic syndrome; Hereditary Cancer Syndrome. Identifiers: Orphanet 140162, MedGen C0027672, MeSH D009386, MONDO:0015356.
Familial cancer of breast. Also called: BREAST CANCER, FAMILIAL; hereditary breast carcinoma; Hereditary breast cancer. Identifiers: Orphanet 227535, MedGen C0346153, MONDO:0016419, OMIM 114480. Disease mechanism: loss of function.

Submissions (6):

ClinGen Hereditary Breast, Ovarian and Pancreatic Cancer Variant Curation Expert Panel, ClinGen
Classification: Pathogenic for PALB2-related cancer predisposition. Last evaluated: 2023-04-05. Review status: reviewed by expert panel. Criteria: ClinGen HBOP VCEP ACMG Specifications PALB2 V1.0.0. Collection method: curation. Allele origin: germline. Inheritance: Autosomal dominant inheritance.
Comment: The c.532del (p.Glu178fs) variant in PALB2 is a frameshift variant predicted to cause a premature stop codon in biologically-relevant-exon 4 leading to nonsense mediated decay in a gene in which loss-of-function is an established disease mechanism. This alteration results in a termination codon upstream of the most C-terminal pathogenic alteration (PALB2 p.Tyr1183*), as classified by the HBOP VCEP, and is expected to be more deleterious. This variant is absent in gnomAD v2.1.1. In summary, this variant meets the criteria to be classified as pathogenic for autosomal dominant hereditary breast and pancreatic cancer and autosomal recessive FANCN based on the ACMG/AMP criteria applied, as specified by the HBOP VCEP. (PVS1, PM2_Supporting, PM5_Supporting)

Ambry Genetics
Classification: Pathogenic for Hereditary cancer-predisposing syndrome. Last evaluated: 2025-12-02. Review status: criteria provided, single submitter. Criteria: Ambry Variant Classification Scheme 2023. Collection method: clinical testing. Allele origin: germline. Not counted in ClinVar's aggregate classification.
Comment: The c.532delG pathogenic mutation, located in coding exon 4 of the PALB2 gene, results from a deletion of one nucleotide at nucleotide position 532, causing a translational frameshift with a predicted alternate stop codon (p.E178Nfs*15). This variant was reported in 1/60,466 breast cancer cases and in 0/53,461 controls (Dorling et al. N Engl J Med, 2021 02;384:428-439). This variant is considered to be rare based on population cohorts in the Genome Aggregation Database (gnomAD). This alteration is expected to result in loss of function by premature protein truncation or nonsense-mediated mRNA decay. As such, this alteration is interpreted as a disease-causing mutation.

Labcorp Genetics (formerly Invitae), Labcorp
Classification: Pathogenic for Familial cancer of breast. Last evaluated: 2025-07-09. Review status: criteria provided, single submitter. Criteria: Invitae Variant Classification Sherloc (09022015). Collection method: clinical testing. Allele origin: germline. Not counted in ClinVar's aggregate classification.
Comment: This sequence change creates a premature translational stop signal (p.Glu178Asnfs*15) in the PALB2 gene. It is expected to result in an absent or disrupted protein product. Loss-of-function variants in PALB2 are known to be pathogenic (PMID: 17200668, 17200671, 17200672, 24136930, 25099575). This variant is not present in population databases (gnomAD no frequency). This premature translational stop signal has been observed in individual(s) with breast cancer (PMID: 28779002). ClinVar contains an entry for this variant (Variation ID: 580962). For these reasons, this variant has been classified as Pathogenic.

Myriad Genetics, Inc.
Classification: Pathogenic for Familial cancer of breast. Last evaluated: 2023-09-06. Review status: criteria provided, single submitter. Criteria: Myriad Autosomal Dominant, Autosomal Recessive and X-Linked Classification Criteria (2023). Collection method: clinical testing. Allele origin: unknown. Not counted in ClinVar's aggregate classification.
Comment: This variant is considered pathogenic. This variant creates a frameshift predicted to result in premature protein truncation.

Baylor Genetics
Classification: Pathogenic for Familial cancer of breast. Last evaluated: 2020-10-16. Review status: criteria provided, single submitter. Criteria: ACMG Guidelines, 2015. Collection method: clinical testing. Allele origin: unknown. Not counted in ClinVar's aggregate classification.

Color Diagnostics, LLC DBA Color Health
Classification: Pathogenic for Hereditary cancer-predisposing syndrome. Last evaluated: 2020-01-15. Review status: criteria provided, single submitter. Criteria: ACMG Guidelines, 2015. Collection method: clinical testing. Allele origin: germline. Not counted in ClinVar's aggregate classification.
Comment: This variant deletes 1 nucleotide in exon 4 of the PALB2 gene, creating a frameshift and premature translation stop signal. This variant is expected to result in an absent or non-functional protein product. This variant has not been identified in the general population by the Genome Aggregation Database (gnomAD). Loss of PALB2 function is a known mechanism of disease. Based on the available evidence, this variant is classified as Pathogenic.

Literature cited by the submitters: PubMed 33471991 (cited by Ambry Genetics); PubMed 17200668 (cited by Labcorp Genetics (formerly Invitae), Labcorp); PubMed 17200671 (cited by Labcorp Genetics (formerly Invitae), Labcorp); PubMed 17200672 (cited by Labcorp Genetics (formerly Invitae), Labcorp); PubMed 24136930 (cited by Labcorp Genetics (formerly Invitae), Labcorp); PubMed 25099575 (cited by Labcorp Genetics (formerly Invitae), Labcorp); PubMed 28779002 (cited by Labcorp Genetics (formerly Invitae), Labcorp).